The following is an entry in ClinVar:

ClinVar aggregate classification (germline): Uncertain significance (1 of 4 stars; one submission).

Submission:

GeneDx
Classification: Uncertain significance. Last evaluated: 2022-07-05. Review status: criteria provided, single submitter. Criteria: GeneDx Variant Classification Process June 2021. Collection method: clinical testing. Allele origin: germline. Affected: yes.
Comment: Not observed at significant frequency in large population cohorts (gnomAD); In silico analysis supports that this missense variant does not alter protein structure/function; Has not been previously published as pathogenic or benign to our knowledge

NM_001376.5(DYNC1H1):c.6340G>A (p.Glu2114Lys)

Gene: DYNC1H1 (dynein cytoplasmic 1 heavy chain 1; plus strand). Cytogenetic location: 14q32.31.
Variant type: single nucleotide variant.
Coding change: c.6340G>A on transcript NM_001376.5 (MANE Select); coding-DNA position 6340, G replaced by A.
Protein change: p.Glu2114Lys; replaces glutamic acid 2114 with lysine.
Molecular consequence: missense variant.
Genome position (GRCh38, 1-based): chr14:102,010,394, G>A. VCF-style: chr14-102010394-G-A. GRCh37 (hg19) VCF-style: chr14-102476731-G-A.
Other names: short protein forms E2114K.
Identifiers: ClinVar variation 1810685 (VCV001810685.1), dbSNP rs2503752059, ClinGen allele CA391054729.